The following is an entry in ClinVar:

ClinVar aggregate classification (germline): Likely benign. Review status: criteria provided, multiple submitters, no conflicts (2 of 4 stars). 4 submissions from 4 submitters: Likely benign (4). Last evaluated 2025-12-08.

Conditions:
Cardiovascular phenotype. Identifiers: MedGen CN230736.
Long QT syndrome (LQTS). Identifiers: MedGen C0023976, MeSH D008133, MONDO:0002442. Disease mechanism: loss of function. Inheritance: Various modes of inheritance.

Allele frequency attached by ClinVar (database versions not stated): gnomAD exomes 0.00002 and 0.00008; ExAC 0.00008; ESP Exome Variant Server 0.00008; 1000 Genomes Project 0.00020; gnomAD 0.00020 and 0.00022; TOPMed 0.00020; 1000 Genomes Project 30x 0.00031.
gnomAD v4.1: 59 of 1,613,784 alleles (0.0037%); highest among the groups gnomAD compares: African/African-American, 0.067%; 1 homozygote.

Submissions (4):

Labcorp Genetics (formerly Invitae), Labcorp
Classification: Likely benign for Long QT syndrome. Last evaluated: 2025-12-08. Review status: criteria provided, single submitter. Criteria: Invitae Variant Classification Sherloc (09022015). Collection method: clinical testing. Allele origin: germline.

CeGaT Center for Human Genetics Tuebingen
Classification: Likely benign. Last evaluated: 2024-04-01. Review status: criteria provided, single submitter. Criteria: CeGaT Center For Human Genetics Tuebingen Variant Classification Criteria Version 2. Collection method: clinical testing. Allele origin: germline. Affected: yes. Observed: 1 variant allele.
Comment: ANK2: BP4, BP7

GeneDx
Classification: Likely benign. Last evaluated: 2019-10-25. Review status: criteria provided, single submitter. Criteria: GeneDx Variant Classification Process June 2021. Collection method: clinical testing. Allele origin: germline. Affected: yes.

Ambry Genetics
Classification: Likely benign for Cardiovascular phenotype. Last evaluated: 2015-10-21. Review status: criteria provided, single submitter. Criteria: Ambry Variant Classification Scheme 2023. Collection method: clinical testing. Allele origin: germline.

NM_001148.6(ANK2):c.2424C>T (p.Ser808=)

Gene: ANK2 (ankyrin 2; plus strand). Cytogenetic location: 4q26.
Variant type: single nucleotide variant.
Coding change: c.2424C>T on transcript NM_001148.6 (MANE Select); coding-DNA position 2424, C replaced by T.
Protein change: p.Ser808=; no amino-acid change (serine 808 retained).
Molecular consequence: synonymous variant.
Genome position (GRCh38, 1-based): chr4:113,293,487, C>T. VCF-style: chr4-113293487-C-T. GRCh37 (hg19) VCF-style: chr4-114214643-C-T.
Other names: c.2361C>T, p.Ser787= (NM_001127493.3, NM_001354239.2, NM_001354243.2 and 10 more transcripts); c.2424C>T, p.Ser808= (NM_001354225.2, NM_001354228.2, NM_001354232.2 and 6 more transcripts); c.2469C>T, p.Ser823= (NM_001354230.2, NM_001354231.2, NM_001354237.2 and 5 more transcripts); c.2325C>T, p.Ser775= (NM_001354245.2, NM_001354268.2); c.2337C>T, p.Ser779= (NM_001354249.2, NM_001354264.2, NM_001354266.2 and 10 more transcripts); c.2262C>T, p.Ser754= (NM_001354253.2, NM_001354257.2, NM_001354270.2 and 1 more transcripts); c.2238C>T, p.Ser746= (NM_001354260.2, NM_001354271.2, NM_001386151.1); c.2382C>T, p.Ser794= (NM_001354261.2, NM_001386147.1, NM_001386160.1); and 9 more.
Identifiers: ClinVar variation 264458 (VCV000264458.34), dbSNP rs150598396, ClinGen allele CA3050565.